The following is an entry in ClinVar:

NM_002422.5(MMP3):c.133A>G (p.Lys45Glu)

Gene: MMP3 (matrix metallopeptidase 3; minus strand). Cytogenetic location: 11q22.2.
Variant type: single nucleotide variant.
Coding change: c.133A>G on transcript NM_002422.5 (MANE Select); coding-DNA position 133, A replaced by G.
Protein change: p.Lys45Glu; replaces lysine 45 with glutamic acid.
Molecular consequence: missense variant.
Genome position (GRCh38, 1-based): chr11:102,842,889, T>C on the plus strand (A>G on the coding strand, the complement: MMP3 is on the minus strand). VCF-style: chr11-102842889-T-C. GRCh37 (hg19) VCF-style: chr11-102713620-T-C.
Other names: NM_002422.3:c.133A>G; short protein forms K45E.
Identifiers: ClinVar variation 403098 (VCV000403098.8), dbSNP rs679620, ClinGen allele CA6251238.

ClinVar aggregate classification (germline): Benign. Review status: criteria provided, multiple submitters, no conflicts (2 of 4 stars). 3 submissions from 3 submitters: Benign (3). Last evaluated 2018-11-12.

Allele frequency attached by ClinVar (database versions not stated): gnomAD exomes 0.52003 and 0.58018; ESP Exome Variant Server 0.54722; gnomAD 0.57112 and 0.57564; TOPMed 0.58088; ExAC 0.58907; 1000 Genomes Project 30x 0.64538; 1000 Genomes Project 0.65216.
gnomAD v4.1: 846,122 of 1,608,044 alleles (53%); highest among the groups gnomAD compares: Admixed American, 68%; 227,326 homozygotes.

Submissions (3):

GeneDx
Classification: Benign. Last evaluated: 2018-11-12. Review status: criteria provided, single submitter. Criteria: GeneDx Variant Classification Process June 2021. Collection method: clinical testing. Allele origin: germline. Affected: yes.
Comment: This variant is associated with the following publications: (PMID: 26771213, 19008710, 19406964, 25525159, 19551141, 21753786)

Laboratory for Molecular Medicine, Mass General Brigham Personalized Medicine
Classification: Benign. Last evaluated: 2016-03-28. Review status: criteria provided, single submitter. Criteria: LMM Criteria. Collection method: clinical testing. Allele origin: germline.
Comment: Variant identified in a genome or exome case(s) and assessed due to predicted null impact of the variant or pathogenic assertions in the literature or databases. Disclaimer: This variant has not undergone full assessment. The following are preliminary notes: Frequency

Breakthrough Genomics
Classification: Benign. Review status: criteria provided, single submitter. Criteria: ACMG Guidelines, 2015. Collection method: not provided. Allele origin: germline. Inheritance: Unknown mechanism. Affected: yes.